The following is an entry in ClinVar:

ClinVar aggregate classification (germline): Uncertain significance (1 of 4 stars; one submission).

Conditions:
Duchenne muscular dystrophy (DMD). Also called: MUSCULAR DYSTROPHY, PSEUDOHYPERTROPHIC PROGRESSIVE, DUCHENNE TYPE; Duchenne Muscular Dystrophy (DMD). Identifiers: Orphanet 98896, MedGen C0013264, MONDO:0010679, OMIM 310200.

Allele frequency attached by ClinVar (database versions not stated): TOPMed 0.00001.

Submission:

Labcorp Genetics (formerly Invitae), Labcorp
Classification: Uncertain significance for Duchenne muscular dystrophy. Last evaluated: 2023-09-29. Review status: criteria provided, single submitter. Criteria: Invitae Variant Classification Sherloc (09022015). Collection method: clinical testing. Allele origin: germline.
Comment: This variant is not present in population databases (gnomAD no frequency). This sequence change replaces threonine, which is neutral and polar, with arginine, which is basic and polar, at codon 1839 of the DMD protein (p.Thr1839Arg). This variant has not been reported in the literature in individuals affected with DMD-related conditions. Advanced modeling of protein sequence and biophysical properties (such as structural, functional, and spatial information, amino acid conservation, physicochemical variation, residue mobility, and thermodynamic stability) performed at Invitae indicates that this missense variant is not expected to disrupt DMD protein function. In summary, the available evidence is currently insufficient to determine the role of this variant in disease. Therefore, it has been classified as a Variant of Uncertain Significance.

NM_004006.3(DMD):c.5516C>G (p.Thr1839Arg)

Gene: DMD (dystrophin; minus strand). Cytogenetic location: Xp21.1.
Variant type: single nucleotide variant.
Coding change: c.5516C>G on transcript NM_004006.3 (MANE Select); coding-DNA position 5516, C replaced by G.
Protein change: p.Thr1839Arg; replaces threonine 1839 with arginine.
Molecular consequence: missense variant.
Genome position (GRCh38, 1-based): chrX:32,346,013, G>C on the plus strand (C>G on the coding strand, the complement: DMD is on the minus strand). VCF-style: chrX-32346013-G-C. GRCh37 (hg19) VCF-style: chrX-32364130-G-C.
Other names: c.5492C>G, p.Thr1831Arg (NM_000109.4); c.5504C>G, p.Thr1835Arg (NM_004009.3); c.5147C>G, p.Thr1716Arg (NM_004010.3); c.1493C>G, p.Thr498Arg (NM_004011.4); c.1484C>G, p.Thr495Arg (NM_004012.4); short protein forms T1835R, T495R, T1831R, T1716R, T1839R, T498R.
Identifiers: ClinVar variation 2729573 (VCV002729573.3), dbSNP rs2097762601, ClinGen allele CA412667364.
Genomic context (GRCh38, chrX:32,346,013, plus strand): 5'-TTATGTTTTGTCTGTAACAGCTGCTGTTTTATCTTTATTTCCTCTCGCTTTCTCTCATCT[G>C]TGATTCTTTGTTGTAAGTTGTCTCCTCTTTGCAACAATTCTTTTACAGTACCCTCATTGT-3'
Protein context (NP_003997.2, residues 1829-1849): QRGDNLQQRI[Thr1839Arg]DERKREEIKI